The following is an entry in ClinVar:

ClinVar aggregate classification (germline): Uncertain significance (1 of 4 stars; one submission).

Conditions:
Dilated cardiomyopathy 1KK (CMD1KK). Identifiers: Orphanet 154, Orphanet 75249, MedGen C3714995, MONDO:0014100, OMIM 615248.

Allele frequency attached by ClinVar (database versions not stated): gnomAD exomes below 0.00001.
gnomAD v4.1: 1 of 1,613,890 alleles (0.000062%); highest among the groups gnomAD compares: Admixed American, 0.0017%; no homozygotes.

Submission:

Labcorp Genetics (formerly Invitae), Labcorp
Classification: Uncertain significance for Dilated cardiomyopathy 1KK. Last evaluated: 2021-10-28. Review status: criteria provided, single submitter. Criteria: Invitae Variant Classification Sherloc (09022015). Collection method: clinical testing. Allele origin: germline.
Comment: In summary, the available evidence is currently insufficient to determine the role of this variant in disease. Therefore, it has been classified as a Variant of Uncertain Significance. Algorithms developed to predict the effect of missense changes on protein structure and function (SIFT, PolyPhen-2, Align-GVGD) all suggest that this variant is likely to be tolerated. This variant has not been reported in the literature in individuals affected with MYPN-related conditions. This variant is present in population databases (no rsID available, gnomAD 0.003%). This sequence change replaces lysine, which is basic and polar, with asparagine, which is neutral and polar, at codon 773 of the MYPN protein (p.Lys773Asn).

NM_032578.4(MYPN):c.2319A>T (p.Lys773Asn)

Gene: MYPN (myopalladin; plus strand). Cytogenetic location: 10q21.3.
Variant type: single nucleotide variant.
Coding change: c.2319A>T on transcript NM_032578.4 (MANE Select); coding-DNA position 2319, A replaced by T.
Protein change: p.Lys773Asn; replaces lysine 773 with asparagine.
Molecular consequence: missense variant. On other transcripts: non-coding transcript variant (2).
Genome position (GRCh38, 1-based): chr10:68,174,411, A>T. VCF-style: chr10-68174411-A-T. GRCh37 (hg19) VCF-style: chr10-69934168-A-T.
Other names: c.2319A>T, p.Lys773Asn (NM_001256267.2); c.1437A>T, p.Lys479Asn (NM_001256268.2); short protein forms K479N, K773N.
Identifiers: ClinVar variation 1485126 (VCV001485126.6), dbSNP rs1468437257, ClinGen allele CA376846310.